The following is an entry in ClinVar:

ClinVar aggregate classification (germline): Uncertain significance. Review status: criteria provided, multiple submitters, no conflicts (2 of 4 stars). 3 submissions from 3 submitters: Uncertain significance (3). Last evaluated 2023-06-09.

Conditions:
Pheochromocytoma. Also called: MAX-Related Hereditary Paraganglioma-Pheochromocytoma Syndrome. Identifiers: Orphanet 29072, MedGen C0031511, MONDO:0008233, OMIM 171300, HP:0002666.
Hirschsprung disease, susceptibility to, 1 (HSCR1). Also called: RET-Related Hirschsprung Disease. Identifiers: Orphanet 388, MedGen C3888239, MONDO:0007723, OMIM 142623.
Familial medullary thyroid carcinoma (MTC). Also called: Thyroid cancer, familial medullary; MTC, familial; Familial Medullary Thyroid Carcinoma (FMTC). Identifiers: Orphanet 653, Orphanet 99361, MedGen C1833921, MONDO:0007958, OMIM 155240.
Multiple endocrine neoplasia type 2B. Also called: WAGENMANN-FROBOESE SYNDROME; MULTIPLE ENDOCRINE NEOPLASIA, TYPE III; MEN 2B; MUCOSAL NEUROMA SYNDROME; MULTIPLE ENDOCRINE NEOPLASIA, TYPE IIB; MEN IIB. Identifiers: Orphanet 247709, Orphanet 653, MedGen C0025269, MeSH D018814, MONDO:0008082, OMIM 162300.
Multiple endocrine neoplasia type 2A. Also called: MULTIPLE ENDOCRINE NEOPLASIA, TYPE IIA; PTC SYNDROME; SIPPLE SYNDROME; MEN 2A; MEN-2A syndrome; Pheochromocytoma and amyloid producing medullary thyroid carcinoma. Identifiers: Orphanet 247698, Orphanet 653, MedGen C0025268, MeSH D018813, MONDO:0008234, OMIM 171400.
Hereditary cancer-predisposing syndrome. Also called: Tumor predisposition; Hereditary neoplastic syndrome; Neoplastic Syndromes, Hereditary; Hereditary Cancer Syndrome. Identifiers: Orphanet 140162, MedGen C0027672, MeSH D009386, MONDO:0015356.
Multiple endocrine neoplasia, type 2 (MEN2). Identifiers: Orphanet 653, MedGen C4048306, MONDO:0019003. Disease mechanism: gain of function.

Submissions (3):

Ambry Genetics
Classification: Uncertain significance for Hereditary cancer-predisposing syndrome. Last evaluated: 2023-06-09. Review status: criteria provided, single submitter. Criteria: Ambry Variant Classification Scheme 2023. Collection method: clinical testing. Allele origin: germline.
Comment: The c.1648+5G>A intronic variant results from a G to A substitution 5 nucleotides after coding exon 8 in the RET gene. This nucleotide position is highly conserved in available vertebrate species. In silico splice site analysis predicts that this alteration may result in the creation or strengthening of a novel splice donor site. Since supporting evidence is limited at this time, the clinical significance of this alteration remains unclear.

Fulgent Genetics
Classification: Uncertain significance for Hirschsprung disease, susceptibility to, 1; Familial medullary thyroid carcinoma; Multiple endocrine neoplasia type 2B; Pheochromocytoma; Multiple endocrine neoplasia type 2A. Last evaluated: 2022-04-22. Review status: criteria provided, single submitter. Criteria: ACMG Guidelines, 2015. Collection method: clinical testing. Allele origin: unknown.

Labcorp Genetics (formerly Invitae), Labcorp
Classification: Uncertain significance for Multiple endocrine neoplasia, type 2. Last evaluated: 2019-07-16. Review status: criteria provided, single submitter. Criteria: Invitae Variant Classification Sherloc (09022015). Collection method: clinical testing. Allele origin: germline.
Comment: In summary, the available evidence is currently insufficient to determine the role of this variant in disease. Therefore, it has been classified as a Variant of Uncertain Significance. Nucleotide substitutions within the consensus splice site are a relatively common cause of aberrant splicing (PMID: 17576681, 9536098). Algorithms developed to predict the effect of sequence changes on RNA splicing suggest that this variant may disrupt the consensus splice site, but this prediction has not been confirmed by published transcriptional studies. This variant has not been reported in the literature in individuals with RET-related conditions. ClinVar contains an entry for this variant (Variation ID: 216715). This variant is not present in population databases (ExAC no frequency). This sequence change falls in intron 8 of the RET gene. It does not directly change the encoded amino acid sequence of the RET protein, but it affects a nucleotide within the consensus splice site of the intron.

Literature cited by the submitters: PubMed 17576681 (cited by Labcorp Genetics (formerly Invitae), Labcorp); PubMed 9536098 (cited by Labcorp Genetics (formerly Invitae), Labcorp).

NM_020975.6(RET):c.1648+5G>A

Gene: RET (ret proto-oncogene; plus strand). Cytogenetic location: 10q11.21.
Variant type: single nucleotide variant.
Coding change: c.1648+5G>A on transcript NM_020975.6 (MANE Select); 5 bases into the intron after coding-DNA position 1648, G replaced by A.
Molecular consequence: intron variant.
Genome position (GRCh38, 1-based): chr10:43,112,229, G>A. VCF-style: chr10-43112229-G-A. GRCh37 (hg19) VCF-style: chr10-43607677-G-A.
Other names: c.1648+5G>A (NM_020630.7, NM_001406743.1, NM_001406744.1 and 4 more transcripts); c.1252+5G>A (NM_001406772.1, NM_001406769.1); c.1210+5G>A (NM_001406773.1, NM_001406771.1); c.751+5G>A (NM_001406782.1, NM_001406780.1, NM_001406779.1 and 3 more transcripts); c.1519+5G>A (NM_001406764.1, NM_001406762.1, NM_001406761.1 and 1 more transcripts); c.1123+5G>A (NM_001406774.1); c.622+5G>A (NM_001406786.1, NM_001406783.1); c.1360+5G>A (NM_001406770.1, NM_001406766.1, NM_001406767.1); and 5 more.
Identifiers: ClinVar variation 216715 (VCV000216715.13), dbSNP rs863224776, ClinGen allele CA335777.